The following is an entry in ClinVar:

ClinVar aggregate classification (germline): Uncertain significance (1 of 4 stars; one submission).

Submission:

Ambry Genetics
Classification: Uncertain significance. Last evaluated: 2024-02-20. Review status: criteria provided, single submitter. Criteria: Ambry Variant Classification Scheme 2023. Collection method: clinical testing. Allele origin: germline.
Comment: The p.G26S variant (also known as c.76G>A), located in coding exon 1 of the TERF2IP gene, results from a G to A substitution at nucleotide position 76. The glycine at codon 26 is replaced by serine, an amino acid with similar properties. This amino acid position is conserved. In addition, the in silico prediction for this alteration is inconclusive. Since supporting evidence is limited at this time, the clinical significance of this alteration remains unclear.

NM_018975.4(TERF2IP):c.76G>A (p.Gly26Ser)

Gene: TERF2IP (TERF2 interacting protein; plus strand). Cytogenetic location: 16q23.1.
Variant type: single nucleotide variant.
Coding change: c.76G>A on transcript NM_018975.4 (MANE Select); coding-DNA position 76, G replaced by A.
Protein change: p.Gly26Ser; replaces glycine 26 with serine.
Molecular consequence: missense variant. On other transcripts: non-coding transcript variant (1).
Genome position (GRCh38, 1-based): chr16:75,647,958, G>A. VCF-style: chr16-75647958-G-A. GRCh37 (hg19) VCF-style: chr16-75681856-G-A.
Other names: short protein forms G26S.
Identifiers: ClinVar variation 1760212 (VCV001760212.2), dbSNP rs201993350, ClinGen allele CA284334148.
Genomic context (GRCh38, chr16:75,647,958, plus strand): 5'-GATTTGGGCAAAGACCCCAACGGGCCCACCCATTCCTCGACTCTGTTCGTGAGGGACGAC[G>A]GCAGCTCCATGTCCTTCTACGTGCGGCCCAGCCCGGCCAAGCGTCGGCTGTCGACGCTCA-3'
Protein context (NP_061848.2, residues 16-36): HSSTLFVRDD[Gly26Ser]SSMSFYVRPS